The following is an entry in ClinVar:

ClinVar aggregate classification (germline): Uncertain significance (1 of 4 stars; one submission).

Conditions:
Symmetrical dyschromatosis of extremities (DSH). Also called: DYSCHROMATOSIS SYMMETRICA HEREDITARIA 1; Dyschromatosis symmetrica hereditaria; RETICULATE ACROPIGMENTATION OF DOHI; SYMMETRIC DYSCHROMATOSIS OF THE EXTREMITIES. Identifiers: Orphanet 41, MedGen C0406775, MONDO:0007483, OMIM 127400.
Aicardi-Goutieres syndrome 6 (AGS6). Identifiers: Orphanet 51, MedGen C3539013, MONDO:0014007, OMIM 615010.

Submission:

Labcorp Genetics (formerly Invitae), Labcorp
Classification: Uncertain significance for Aicardi-Goutieres syndrome 6; Symmetrical dyschromatosis of extremities. Last evaluated: 2022-10-25. Review status: criteria provided, single submitter. Criteria: Invitae Variant Classification Sherloc (09022015). Collection method: clinical testing. Allele origin: germline.
Comment: In summary, the available evidence is currently insufficient to determine the role of this variant in disease. Therefore, it has been classified as a Variant of Uncertain Significance. This sequence change replaces glutamic acid, which is acidic and polar, with alanine, which is neutral and non-polar, at codon 414 of the ADAR protein (p.Glu414Ala). This variant is not present in population databases (gnomAD no frequency). This variant has not been reported in the literature in individuals affected with ADAR-related conditions. Advanced modeling of protein sequence and biophysical properties (such as structural, functional, and spatial information, amino acid conservation, physicochemical variation, residue mobility, and thermodynamic stability) performed at Invitae indicates that this missense variant is not expected to disrupt ADAR protein function.

NM_001111.5(ADAR):c.1241A>C (p.Glu414Ala)

Gene: ADAR (adenosine deaminase RNA specific; minus strand). Cytogenetic location: 1q21.3.
Variant type: single nucleotide variant.
Coding change: c.1241A>C on transcript NM_001111.5 (MANE Select); coding-DNA position 1241, A replaced by C.
Protein change: p.Glu414Ala; replaces glutamic acid 414 with alanine.
Molecular consequence: missense variant.
Genome position (GRCh38, 1-based): chr1:154,601,401, T>G on the plus strand (A>C on the coding strand, the complement: ADAR is on the minus strand). VCF-style: chr1-154601401-T-G. GRCh37 (hg19) VCF-style: chr1-154573877-T-G.
Other names: c.356A>C, p.Glu119Ala (NM_001025107.3, NM_001193495.2, NM_001365046.1 and 3 more transcripts); c.1268A>C, p.Glu423Ala (NM_001365045.1); c.1241A>C, p.Glu414Ala (NM_015840.4, NM_015841.4); short protein forms E119A, E414A, E423A.
Identifiers: ClinVar variation 1722132 (VCV001722132.5), dbSNP rs2526650751, ClinGen allele CA342597046.